The following is an entry in ClinVar:

NM_198551.4(MIA3):c.2526T>C (p.Gly842=)

Gene: MIA3 (MIA SH3 domain ER export factor 3; plus strand). Cytogenetic location: 1q41.
Variant type: single nucleotide variant.
Coding change: c.2526T>C on transcript NM_198551.4 (MANE Select); coding-DNA position 2526, T replaced by C.
Protein change: p.Gly842=; no amino-acid change (glycine 842 retained).
Molecular consequence: synonymous variant.
Genome position (GRCh38, 1-based): chr1:222,629,746, T>C. VCF-style: chr1-222629746-T-C. GRCh37 (hg19) VCF-style: chr1-222803088-T-C.
Other names: c.2526T>C, p.Gly842= (NM_001324062.2, NM_001324063.2); c.2034T>C, p.Gly678= (NM_001324064.2).
Identifiers: ClinVar variation 4084052 (VCV004084052.8).

ClinVar aggregate classification (germline): Likely benign (1 of 4 stars; one submission).

gnomAD v4.1: 224 of 1,614,006 alleles (0.014%); highest among the groups gnomAD compares: African/African-American, 0.28%; no homozygotes.

Submission:

CeGaT Center for Human Genetics Tuebingen
Classification: Likely benign. Last evaluated: 2025-06-01. Review status: criteria provided, single submitter. Criteria: CeGaT Center For Human Genetics Tuebingen Variant Classification Criteria Version 2. Collection method: clinical testing. Allele origin: germline. Affected: yes. Observed: 1 variant allele.
Comment: MIA3: BP4, BP7